The following is an entry in ClinVar:

ClinVar aggregate classification (germline): Uncertain significance (1 of 4 stars; one submission).

Conditions:
Developmental and epileptic encephalopathy. Identifiers: MedGen C5779964, MONDO:0100620.

Submission:

Labcorp Genetics (formerly Invitae), Labcorp
Classification: Uncertain significance for Early-infantile DEE. Last evaluated: 2020-04-01. Review status: criteria provided, single submitter. Criteria: Invitae Variant Classification Sherloc (09022015). Collection method: clinical testing. Allele origin: germline.
Comment: This variant results in a copy number gain of the genomic region encompassing the full coding sequence of the ARHGEF15 gene. The boundaries of this event are unknown as they extend beyond the assayed region for this gene and therefore may encompass additional genes. As the precise location of this event is unknown, it may be in tandem or it may be located elsewhere in the genome. This variant has not been reported in the literature in individuals with ARHGEF15-related conditions. In summary, the available evidence is currently insufficient to determine the role of this variant in disease. Therefore, it has been classified as a Variant of Uncertain Significance.

NC_000017.10:g.(?_8212556)_(8226834_?)dup

Gene: ARHGEF15 (Rho guanine nucleotide exchange factor 15; plus strand). Cytogenetic location: 17p13.1.
Variant type: Duplication.
Identifiers: ClinVar variation 1017745 (VCV001017745.2).